The following is an entry in ClinVar:

NM_031885.5(BBS2):c.1033A>C (p.Lys345Gln)

Gene: BBS2 (Bardet-Biedl syndrome 2; minus strand). Cytogenetic location: 16q13.
Variant type: single nucleotide variant.
Coding change: c.1033A>C on transcript NM_031885.5 (MANE Select); coding-DNA position 1033, A replaced by C.
Protein change: p.Lys345Gln; replaces lysine 345 with glutamine.
Molecular consequence: missense variant. On other transcripts: non-coding transcript variant (5).
Genome position (GRCh38, 1-based): chr16:56,502,364, T>G on the plus strand (A>C on the coding strand, the complement: BBS2 is on the minus strand). VCF-style: chr16-56502364-T-G. GRCh37 (hg19) VCF-style: chr16-56536276-T-G.
Other names: c.1033A>C, p.Lys345Gln (NM_001377456.1); short protein forms K345Q.
Identifiers: ClinVar variation 1982434 (VCV001982434.2), dbSNP rs751171674, ClinGen allele CA8065846.

ClinVar aggregate classification (germline): Uncertain significance (1 of 4 stars; one submission).

Conditions:
Bardet-Biedl syndrome (BBS). Identifiers: Orphanet 110, MedGen C0752166, MONDO:0015229.

Allele frequency attached by ClinVar (database versions not stated): gnomAD exomes below 0.00001; ExAC 0.00001.
gnomAD v4.1: 8 of 1,614,214 alleles (0.0005%); highest among the groups gnomAD compares: South Asian, 0.0022%; no homozygotes.

Submission:

Labcorp Genetics (formerly Invitae), Labcorp
Classification: Uncertain significance for Bardet-Biedl syndrome. Last evaluated: 2025-04-28. Review status: criteria provided, single submitter. Criteria: Invitae Variant Classification Sherloc (09022015). Collection method: clinical testing. Allele origin: germline.
Comment: This sequence change replaces lysine, which is basic and polar, with glutamine, which is neutral and polar, at codon 345 of the BBS2 protein (p.Lys345Gln). This variant is present in population databases (rs751171674, gnomAD 0.0009%). This variant has not been reported in the literature in individuals affected with BBS2-related conditions. ClinVar contains an entry for this variant (Variation ID: 1982434). Invitae Evidence Modeling of protein sequence and biophysical properties (such as structural, functional, and spatial information, amino acid conservation, physicochemical variation, residue mobility, and thermodynamic stability) indicates that this missense variant is expected to disrupt BBS2 protein function with a positive predictive value of 80%. In summary, the available evidence is currently insufficient to determine the role of this variant in disease. Therefore, it has been classified as a Variant of Uncertain Significance.